The following is an entry in ClinVar:

ClinVar aggregate classification (germline): Uncertain significance (1 of 4 stars; one submission).

Conditions:
Multiple gastrointestinal atresias. Also called: Multiple intestinal atresia; FAMILIAL INTESTINAL POLYATRESIA SYNDROME. Identifiers: Orphanet 2300, MedGen C0220744, MONDO:0009465.

Allele frequency attached by ClinVar (database versions not stated): gnomAD exomes below 0.00001 and 0.00001; gnomAD 0.00001; ExAC 0.00002; TOPMed 0.00003.
gnomAD v4.1: 3 of 1,612,062 alleles (0.00019%); highest among the groups gnomAD compares: African/African-American, 0.004%; no homozygotes.

Submission:

Baylor Genetics
Classification: Uncertain significance for Gastrointestinal defects and immunodeficiency syndrome 1. Last evaluated: 2018-10-17. Review status: criteria provided, single submitter. Criteria: ACMG Guidelines, 2015. Collection method: clinical testing. Allele origin: maternal. Affected: yes.
Comment: This variant was determined to be of uncertain significance according to ACMG Guidelines, 2015 [PMID:25741868].

NM_020458.4(TTC7A):c.2105G>A (p.Gly702Asp)

Gene: TTC7A (tetratricopeptide repeat domain 7A; plus strand). Cytogenetic location: 2p21.
Variant type: single nucleotide variant.
Coding change: c.2105G>A on transcript NM_020458.4 (MANE Select); coding-DNA position 2105, G replaced by A.
Protein change: p.Gly702Asp; replaces glycine 702 with aspartic acid.
Molecular consequence: missense variant.
Genome position (GRCh38, 1-based): chr2:47,051,833, G>A. VCF-style: chr2-47051833-G-A. GRCh37 (hg19) VCF-style: chr2-47278972-G-A.
Other names: c.2177G>A, p.Gly726Asp (NM_001288951.2); c.2003G>A, p.Gly668Asp (NM_001288953.2); c.1043G>A, p.Gly348Asp (NM_001288955.2); short protein forms G348D, G702D, G726D, G668D.
Identifiers: ClinVar variation 1032842 (VCV001032842.1), dbSNP rs780527277, ClinGen allele CA1648014.